The following is an entry in ClinVar:

NM_152383.5(DIS3L2):c.2129T>C (p.Leu710Pro)

Gene: DIS3L2 (DIS3 like 3'-5' exoribonuclease 2; plus strand). Cytogenetic location: 2q37.1.
Variant type: single nucleotide variant.
Coding change: c.2129T>C on transcript NM_152383.5 (MANE Select); coding-DNA position 2129, T replaced by C.
Protein change: p.Leu710Pro; replaces leucine 710 with proline.
Molecular consequence: missense variant. On other transcripts: non-coding transcript variant (2), intron variant (1).
Genome position (GRCh38, 1-based): chr2:232,333,958, T>C. VCF-style: chr2-232333958-T-C. GRCh37 (hg19) VCF-style: chr2-233198668-T-C.
Other names: c.1582-9387T>C (NM_001257281.2); short protein forms L710P.
Identifiers: ClinVar variation 1001984 (VCV001001984.8), dbSNP rs1695853653, ClinGen allele CA350977539.

ClinVar aggregate classification (germline): Uncertain significance (1 of 4 stars; one submission).

Conditions:
Perlman syndrome (PRLMNS). Identifiers: Orphanet 2849, MedGen C0796113, MONDO:0009965, OMIM 267000.

Submission:

Labcorp Genetics (formerly Invitae), Labcorp
Classification: Uncertain significance for Perlman syndrome. Last evaluated: 2025-08-18. Review status: criteria provided, single submitter. Criteria: Invitae Variant Classification Sherloc (09022015). Collection method: clinical testing. Allele origin: germline.
Comment: This sequence change replaces leucine, which is neutral and non-polar, with proline, which is neutral and non-polar, at codon 710 of the DIS3L2 protein (p.Leu710Pro). This variant is not present in population databases (gnomAD no frequency). This variant has not been reported in the literature in individuals affected with DIS3L2-related conditions. ClinVar contains an entry for this variant (Variation ID: 1001984). Invitae Evidence Modeling of protein sequence and biophysical properties (such as structural, functional, and spatial information, amino acid conservation, physicochemical variation, residue mobility, and thermodynamic stability) indicates that this missense variant is not expected to disrupt DIS3L2 protein function with a negative predictive value of 80%. In summary, the available evidence is currently insufficient to determine the role of this variant in disease. Therefore, it has been classified as a Variant of Uncertain Significance.